The following is an entry in ClinVar:

NM_001371928.1(AHDC1):c.4408C>T (p.Pro1470Ser)

Gene: AHDC1 (AT-hook DNA binding motif containing 1; minus strand). Cytogenetic location: 1p36.11.
Variant type: single nucleotide variant.
Coding change: c.4408C>T on transcript NM_001371928.1 (MANE Select); coding-DNA position 4408, C replaced by T.
Protein change: p.Pro1470Ser; replaces proline 1470 with serine.
Molecular consequence: missense variant.
Genome position (GRCh38, 1-based): chr1:27,547,708, G>A on the plus strand (C>T on the coding strand, the complement: AHDC1 is on the minus strand). VCF-style: chr1-27547708-G-A. GRCh37 (hg19) VCF-style: chr1-27874219-G-A.
Other names: c.4408C>T, p.Pro1470Ser (NM_001029882.3); short protein forms P1470S.
Identifiers: ClinVar variation 4086379 (VCV004086379.1).

ClinVar aggregate classification (germline): Uncertain significance (1 of 4 stars; one submission).

Submission:

GeneDx
Classification: Uncertain significance. Last evaluated: 2025-03-20. Review status: criteria provided, single submitter. Criteria: GeneDx Variant Classification Process June 2021. Collection method: clinical testing. Allele origin: germline. Affected: yes.
Comment: Not observed at significant frequency in large population cohorts (gnomAD); In silico analysis indicates that this missense variant does not alter protein structure/function; Has not been previously published as pathogenic or benign to our knowledge